The following is an entry in ClinVar:

ClinVar aggregate classification (germline): Uncertain significance (1 of 4 stars; one submission).

Conditions:
Koolen-de Vries syndrome (KDVS). Identifiers: Orphanet 96169, MedGen C1864871, MONDO:0012496, OMIM 610443.

Submission:

Labcorp Genetics (formerly Invitae), Labcorp
Classification: Uncertain significance for Koolen-de Vries syndrome. Last evaluated: 2024-08-28. Review status: criteria provided, single submitter. Criteria: Invitae Variant Classification Sherloc (09022015). Collection method: clinical testing. Allele origin: germline.
Comment: This sequence change replaces alanine, which is neutral and non-polar, with threonine, which is neutral and polar, at codon 834 of the KANSL1 protein (p.Ala834Thr). This variant is not present in population databases (gnomAD no frequency). This variant has not been reported in the literature in individuals affected with KANSL1-related conditions. Invitae Evidence Modeling of protein sequence and biophysical properties (such as structural, functional, and spatial information, amino acid conservation, physicochemical variation, residue mobility, and thermodynamic stability) indicates that this missense variant is not expected to disrupt KANSL1 protein function with a negative predictive value of 80%. In summary, the available evidence is currently insufficient to determine the role of this variant in disease. Therefore, it has been classified as a Variant of Uncertain Significance.

NM_015443.4(KANSL1):c.2500G>A (p.Ala834Thr)

Gene: KANSL1 (KAT8 regulatory NSL complex subunit 1). Cytogenetic location: 17q21.31.
Variant type: single nucleotide variant.
Coding change: c.2500G>A on transcript NM_015443.4 (MANE Select); coding-DNA position 2500, G replaced by A.
Protein change: p.Ala834Thr; replaces alanine 834 with threonine.
Molecular consequence: missense variant.
Genome position (GRCh38, 1-based): chr17:46,038,579, C>T on the plus strand (G>A on the coding strand, the complement: KANSL1 is on the minus strand). VCF-style: chr17-46038579-C-T. GRCh37 (hg19) VCF-style: chr17-44115945-C-T.
Other names: c.2500G>A, p.Ala834Thr (NM_001405874.1, NM_001193465.2, NM_001193466.2 and 8 more transcripts); c.2311G>A, p.Ala771Thr (NM_001405878.1, NM_001405879.1, NM_001405875.1 and 3 more transcripts); c.2398G>A, p.Ala800Thr (NM_001405881.1, NM_001405859.1, NM_001405860.1 and 1 more transcripts); c.1234G>A, p.Ala412Thr (NM_001405882.1, NM_001405883.1); c.1045G>A, p.Ala349Thr (NM_001405884.1, NM_001405885.1); short protein forms A349T, A412T, A771T, A834T, A800T.
Identifiers: ClinVar variation 3696720 (VCV003696720.2).